The following is an entry in ClinVar:

NM_001042492.3(NF1):c.2410-12T>C

Gene: NF1 (neurofibromin 1; plus strand). Cytogenetic location: 17q11.2.
Variant type: single nucleotide variant.
Coding change: c.2410-12T>C on transcript NM_001042492.3 (MANE Select); 12 bases into the intron before coding-DNA position 2410, T replaced by C.
Molecular consequence: intron variant.
Genome position (GRCh38, 1-based): chr17:31,229,013, T>C. VCF-style: chr17-31229013-T-C. GRCh37 (hg19) VCF-style: chr17-29556031-T-C.
Other names: c.2410-12T>C (NM_000267.4).
Identifiers: ClinVar variation 229062 (VCV000229062.18), dbSNP rs876657932, ClinGen allele CA10577032.
Genomic context (GRCh38, chr17:31,229,013, plus strand): 5'-ATAAAGCATAATTTGTCAAGTCTCAACTAATTAAGGTTTAATTCATGCTTTGCACAAAAA[T>C]TTTGTGTTTAGGCTGCTGAAAGCCTTCACAAGACCATTGTTAAGAGGCGAATGTCCCATG-3'

ClinVar aggregate classification (germline): Conflicting classifications of pathogenicity. Review status: criteria provided, conflicting classifications (1 of 4 stars). 6 submissions from 6 submitters: Uncertain significance (4); Likely benign (2). Last evaluated 2026-09-22.

Conditions:
NF1-related disorder. Also called: NF1-related condition. Identifiers: MedGen CN379171.
Neurofibromatosis, type 1 (NF1). Also called: Peripheral type neurofibromatosis; Neurofibromatosis, type I; VON RECKLINGHAUSEN DISEASE; NEUROFIBROMATOSIS, TYPE I, SOMATIC. Identifiers: Orphanet 636, MedGen C0027831, MONDO:0018975, OMIM 162200. Disease mechanism: loss of function.
Neurofibromatosis-Noonan syndrome (NFNS). Also called: NEUROFIBROMATOSIS WITH NOONAN PHENOTYPE. Identifiers: Orphanet 638, MedGen C2931482, MONDO:0011035, OMIM 601321. Disease mechanism: loss of function.
Café-au-lait macules with pulmonary stenosis (WTSN). Also called: PULMONIC STENOSIS WITH CAFE-AU-LAIT SPOTS. Identifiers: MedGen C0553586, MONDO:0008672, OMIM 193520.
Neurofibromatosis, familial spinal (FSNF). Identifiers: Orphanet 636, MedGen C1834235, MONDO:0008078, OMIM 162210. Disease mechanism: loss of function.
Juvenile myelomonocytic leukemia (JMML). Also called: LEUKEMIA, JUVENILE MYELOMONOCYTIC, SOMATIC. Identifiers: Orphanet 86834, MedGen C0349639, MONDO:0011908, OMIM 607785, HP:0012209.

Allele frequency attached by ClinVar (database versions not stated): TOPMed below 0.00001.
gnomAD v4.1: 1 of 1,588,376 alleles (0.000063%); highest among the groups gnomAD compares: African/African-American, 0.0013%; no homozygotes.

Submissions (6):

Myriad Genetics, Inc.
Classification: Likely benign for Neurofibromatosis, type 1. Last evaluated: 2026-09-22. Review status: criteria provided, single submitter. Criteria: Myriad Autosomal Dominant, Autosomal Recessive and X-Linked Classification Criteria (2023). Collection method: clinical testing. Allele origin: unknown.
Comment: This variant is considered likely benign. This variant is intronic and is not expected to impact mRNA splicing.

Fulgent Genetics
Classification: Uncertain significance for Neurofibromatosis, type 1; Neurofibromatosis, familial spinal; Café-au-lait macules with pulmonary stenosis; Neurofibromatosis-Noonan syndrome; Juvenile myelomonocytic leukemia. Last evaluated: 2024-05-22. Review status: criteria provided, single submitter. Criteria: ACMG Guidelines, 2015. Collection method: clinical testing. Allele origin: germline.

Labcorp Genetics (formerly Invitae), Labcorp
Classification: Likely benign for Neurofibromatosis, type 1. Last evaluated: 2024-03-06. Review status: criteria provided, single submitter. Criteria: Invitae Variant Classification Sherloc (09022015). Collection method: clinical testing. Allele origin: germline.

PreventionGenetics, part of Exact Sciences
Classification: Uncertain significance for NF1-related condition. Last evaluated: 2023-04-17. Review status: criteria provided, single submitter. Criteria: ACMG Guidelines, 2015. Collection method: clinical testing. Allele origin: germline.
Comment: The NF1 c.2410-12T>C variant is predicted to interfere with splicing. This variant was reported as a variant of uncertain significance in an individual with a suspected RASopathy diagnosis (Table S2 - Witkowski et al. 2020. PubMed ID: 32107864). This variant has not been reported in a large population database, indicating this variant is rare. In ClinVar this variant has conflicting interpretations of pathogenicity of likely benign and uncertain. However, the use of computer prediction programs is not equivalent to functional evidence, and therefore the clinical significance of this variant is uncertain.

GeneDx
Classification: Uncertain significance. Last evaluated: 2021-07-30. Review status: criteria provided, single submitter. Criteria: GeneDx Variant Classification Process June 2021. Collection method: clinical testing. Allele origin: germline. Affected: yes.
Comment: Reported as a variant of uncertain significance in an individual with suspected Noonan spectrum disorder in published literature (Witkowski et al., 2020); Not observed at significant frequency in large population cohorts (Lek et al., 2016); In-silico analysis, which includes splice predictors and evolutionary conservation, is inconclusive as to whether the variant alters gene splicing. In the absence of RNA/functional studies, the actual effect of this sequence change is unknown.; This variant is associated with the following publications: (PMID: 32107864)

Laboratory for Molecular Medicine, Mass General Brigham Personalized Medicine
Classification: Uncertain significance. Last evaluated: 2019-01-04. Review status: criteria provided, single submitter. Criteria: LMM Criteria. Collection method: clinical testing. Allele origin: germline. Observed: 1 variant allele.
Comment: proposed classification - variant undergoing re-assessment, contact laboratory